The following is an entry in ClinVar:

NM_000018.4(ACADVL):c.1820G>C (p.Cys607Ser)

Gene: ACADVL (acyl-CoA dehydrogenase very long chain; plus strand). Cytogenetic location: 17p13.1.
Variant type: single nucleotide variant.
Coding change: c.1820G>C on transcript NM_000018.4 (MANE Select); coding-DNA position 1820, G replaced by C.
Protein change: p.Cys607Ser; replaces cysteine 607 with serine.
Molecular consequence: missense variant.
Genome position (GRCh38, 1-based): chr17:7,224,877, G>C. VCF-style: chr17-7224877-G-C. GRCh37 (hg19) VCF-style: chr17-7128196-G-C.
Other names: c.1754G>C, p.Cys585Ser (NM_001033859.3); c.1889G>C, p.Cys630Ser (NM_001270447.2); c.1592G>C, p.Cys531Ser (NM_001270448.2); short protein forms C607S, C531S, C585S, C630S.
Identifiers: ClinVar variation 474892 (VCV000474892.18), dbSNP rs200117742, ClinGen allele CA8338274.

ClinVar aggregate classification (germline): Conflicting classifications of pathogenicity. Review status: criteria provided, conflicting classifications (1 of 4 stars). 5 submissions from 5 submitters: Pathogenic (2); Likely pathogenic (2); Uncertain significance (1). Last evaluated 2025-07-15.

Conditions:
Very long chain acyl-CoA dehydrogenase deficiency (ACADVLD). Also called: VLCAD Deficiency; Very Long-Chain Acyl-Coenzyme A Dehydrogenase Deficiency. Identifiers: Orphanet 26793, MedGen C3887523, MONDO:0008723, OMIM 201475.

Allele frequency attached by ClinVar (database versions not stated): gnomAD exomes 0.00004; ExAC 0.00005; 1000 Genomes Project 30x 0.00016; 1000 Genomes Project 0.00020.
gnomAD v4.1: 77 of 1,614,102 alleles (0.0048%); highest among the groups gnomAD compares: East Asian, 0.17%; no homozygotes.

Submissions (5):

Natera, Inc.
Classification: Pathogenic for Very long chain acyl-CoA dehydrogenase deficiency. Last evaluated: 2025-07-15. Review status: criteria provided, single submitter. Criteria: Natera Variant Classification Schema (03/2026). Collection method: clinical testing. Allele origin: germline.
Comment: The c.1820G>C variant in ACADVL is a missense variant predicted to cause substitution of cysteine to serine at amino acid 607. This variant is rare in the general population with a frequency below the threshold expected for the associated phenotype(s). This variant has been observed in one or more individuals affected with the associated recessive disease, as either homozygous or compound heterozygous with a second variant (PMID: 35400565). Computational prediction algorithms indicate this variant is likely to affect gene or protein function. Given the available evidence, this variant is classified as Pathogenic.

Labcorp Genetics (formerly Invitae), Labcorp
Classification: Pathogenic for Very long chain acyl-CoA dehydrogenase deficiency. Last evaluated: 2025-02-03. Review status: criteria provided, single submitter. Criteria: Invitae Variant Classification Sherloc (09022015). Collection method: clinical testing. Allele origin: germline.
Comment: This sequence change replaces cysteine, which is neutral and slightly polar, with serine, which is neutral and polar, at codon 607 of the ACADVL protein (p.Cys607Ser). This variant is present in population databases (rs200117742, gnomAD 0.04%). This missense change has been observed in individual(s) with clinical features of very long-chain acyl-CoA dehydrogenase deficiency (PMID: 32778825; external communication, internal data). In at least one individual the data is consistent with being in trans (on the opposite chromosome) from a pathogenic variant. ClinVar contains an entry for this variant (Variation ID: 474892). Invitae Evidence Modeling of protein sequence and biophysical properties (such as structural, functional, and spatial information, amino acid conservation, physicochemical variation, residue mobility, and thermodynamic stability) indicates that this missense variant is not expected to disrupt ACADVL protein function with a negative predictive value of 80%. For these reasons, this variant has been classified as Pathogenic.

Fulgent Genetics
Classification: Likely pathogenic for Very long chain acyl-CoA dehydrogenase deficiency. Last evaluated: 2024-06-15. Review status: criteria provided, single submitter. Criteria: ACMG Guidelines, 2015. Collection method: clinical testing. Allele origin: germline.

Baylor Genetics
Classification: Likely pathogenic for Very long chain acyl-CoA dehydrogenase deficiency. Last evaluated: 2024-03-04. Review status: criteria provided, single submitter. Criteria: ACMG Guidelines, 2015. Collection method: clinical testing. Allele origin: unknown.

Wong Mito Lab, Molecular and Human Genetics, Baylor College of Medicine
Classification: Uncertain significance for Very long chain acyl-CoA dehydrogenase deficiency. Last evaluated: 2019-11-01. Review status: criteria provided, single submitter. Criteria: ACMG Guidelines, 2015. Collection method: clinical testing. Allele origin: germline.
Comment: The NM_000018.3:c.1820G>C (NP_000009.1:p.Cys607Ser) [GRCH38: NC_000017.11:g.7224877G>C] variant in ACADVL gene is interpretated to be Uncertain Significance based on ACMG guidelines (PMID: 25741868). This variant has been reported. This variant meets the following evidence codes reported in the ACMG guidelines: PP3

Literature cited by the submitters: PubMed 35400565 (cited by Natera, Inc.); PubMed 32778825 (cited by Labcorp Genetics (formerly Invitae), Labcorp).